The following is an entry in ClinVar:

NM_000051.4(ATM):c.2377-18T>C

Gene: ATM (ATM serine/threonine kinase; plus strand). Cytogenetic location: 11q22.3.
Variant type: single nucleotide variant.
Coding change: c.2377-18T>C on transcript NM_000051.4 (MANE Select); 18 bases into the intron before coding-DNA position 2377, T replaced by C.
Molecular consequence: intron variant.
Genome position (GRCh38, 1-based): chr11:108,258,968, T>C. VCF-style: chr11-108258968-T-C. GRCh37 (hg19) VCF-style: chr11-108129695-T-C.
Other names: c.2377-18T>C (NM_001351834.2).
Identifiers: ClinVar variation 381894 (VCV000381894.14), dbSNP rs761207086, ClinGen allele CA6265016.

ClinVar aggregate classification (germline): Likely benign. Review status: criteria provided, multiple submitters, no conflicts (2 of 4 stars). 5 submissions from 5 submitters: Likely benign (5). Last evaluated 2025-12-29.

Conditions:
Hereditary cancer-predisposing syndrome. Also called: Hereditary neoplastic syndrome; Tumor predisposition; Neoplastic Syndromes, Hereditary; Hereditary Cancer Syndrome. Identifiers: Orphanet 140162, MedGen C0027672, MeSH D009386, MONDO:0015356.
Familial cancer of breast. Also called: Hereditary breast cancer; BREAST CANCER, FAMILIAL; hereditary breast carcinoma. Identifiers: Orphanet 227535, MedGen C0346153, MONDO:0016419, OMIM 114480. Disease mechanism: loss of function.
Ataxia-telangiectasia syndrome (AT). Also called: LOUIS-BAR SYNDROME; ATAXIA-TELANGIECTASIA, COMPLEMENTATION GROUP A; ATAXIA-TELANGIECTASIA, FRESNO VARIANT; Ataxia-telangiectasia; Ataxia telangiectasia (A-T); Cerebello-oculocutaneous telangiectasia. Identifiers: Orphanet 100, MedGen C0004135, MONDO:0008840, OMIM 208900.

Allele frequency attached by ClinVar (database versions not stated): TOPMed below 0.00001; gnomAD 0.00001; gnomAD exomes 0.00001 and 0.00002; ExAC 0.00003.

Submissions (5):

Center for Genomic Medicine, Rigshospitalet, Copenhagen University Hospital
Classification: Likely benign. Last evaluated: 2025-12-29. Review status: criteria provided, single submitter. Criteria: ACMG Guidelines, 2015. Collection method: clinical testing. Allele origin: germline.
Comment: Classification criteria: BP4

Labcorp Genetics (formerly Invitae), Labcorp
Classification: Likely benign for Ataxia-telangiectasia syndrome. Last evaluated: 2025-05-05. Review status: criteria provided, single submitter. Criteria: Invitae Variant Classification Sherloc (09022015). Collection method: clinical testing. Allele origin: germline.

Myriad Genetics, Inc.
Classification: Likely benign for Familial cancer of breast. Last evaluated: 2024-05-08. Review status: criteria provided, single submitter. Criteria: Myriad Autosomal Dominant, Autosomal Recessive and X-Linked Classification Criteria (2023). Collection method: clinical testing. Allele origin: unknown.
Comment: This variant is considered likely benign. This variant is intronic and is not expected to impact mRNA splicing.

Color Diagnostics, LLC DBA Color Health
Classification: Likely benign for Hereditary cancer-predisposing syndrome. Last evaluated: 2017-08-30. Review status: criteria provided, single submitter. Criteria: ACMG Guidelines, 2015. Collection method: clinical testing. Allele origin: germline.

GeneDx
Classification: Likely benign. Last evaluated: 2016-10-11. Review status: criteria provided, single submitter. Criteria: GeneDx Variant Classification (06012015). Collection method: clinical testing. Allele origin: germline. Affected: yes.
Comment: This variant is considered likely benign or benign based on one or more of the following criteria: it is a conservative change, it occurs at a poorly conserved position in the protein, it is predicted to be benign by multiple in silico algorithms, and/or has population frequency not consistent with disease.